The following is an entry in ClinVar:

ClinVar aggregate classification (germline): Uncertain significance (1 of 4 stars; one submission).

Conditions:
Mendelian susceptibility to mycobacterial diseases due to complete IL12RB1 deficiency. Also called: IL12RB1 DEFICIENCY; Immunodeficiency 30. Identifiers: Orphanet 319552, MedGen C4013949, MONDO:0013955, OMIM 614891.

Allele frequency attached by ClinVar (database versions not stated): gnomAD exomes below 0.00001; ExAC 0.00001; gnomAD 0.00001; TOPMed 0.00002.
gnomAD v4.1: 2 of 1,611,908 alleles (0.00012%); highest among the groups gnomAD compares: African/African-American, 0.0027%; no homozygotes.

Submission:

Labcorp Genetics (formerly Invitae), Labcorp
Classification: Uncertain significance for Mendelian susceptibility to mycobacterial diseases due to complete IL12RB1 deficiency. Last evaluated: 2021-08-02. Review status: criteria provided, single submitter. Criteria: Invitae Variant Classification Sherloc (09022015). Collection method: clinical testing. Allele origin: germline.
Comment: In summary, the available evidence is currently insufficient to determine the role of this variant in disease. Therefore, it has been classified as a Variant of Uncertain Significance. Algorithms developed to predict the effect of missense changes on protein structure and function are either unavailable or do not agree on the potential impact of this missense change (SIFT: "Deleterious"; PolyPhen-2: "Benign"; Align-GVGD: "Class C25"). This variant has not been reported in the literature in individuals affected with IL12RB1-related conditions. This variant is present in population databases (rs779133340, ExAC 0.01%). This sequence change replaces serine with phenylalanine at codon 463 of the IL12RB1 protein (p.Ser463Phe). The serine residue is highly conserved and there is a large physicochemical difference between serine and phenylalanine.

NM_005535.3(IL12RB1):c.1388C>T (p.Ser463Phe)

Gene: IL12RB1 (interleukin 12 receptor subunit beta 1; minus strand). Cytogenetic location: 19p13.11.
Variant type: single nucleotide variant.
Coding change: c.1388C>T on transcript NM_005535.3 (MANE Select); coding-DNA position 1388, C replaced by T.
Protein change: p.Ser463Phe; replaces serine 463 with phenylalanine.
Molecular consequence: missense variant.
Genome position (GRCh38, 1-based): chr19:18,066,637, G>A on the plus strand (C>T on the coding strand, the complement: IL12RB1 is on the minus strand). VCF-style: chr19-18066637-G-A. GRCh37 (hg19) VCF-style: chr19-18177447-G-A.
Other names: c.1388C>T, p.Ser463Phe (NM_001290023.2); c.1508C>T, p.Ser503Phe (NM_001290024.2); short protein forms S463F, S503F.
Identifiers: ClinVar variation 1371912 (VCV001371912.6), dbSNP rs779133340, ClinGen allele CA9304847.